The following is an entry in ClinVar:

NM_021964.3(ZNF148):c.1862C>G (p.Ala621Gly)

Genes: ZNF148 (zinc finger protein 148; minus strand), LOC126806798 (P300/CBP strongly-dependent group 1 enhancer GRCh37_chr3:124950809-124952008; plus strand). Cytogenetic location: 3q21.2.
Variant type: single nucleotide variant.
Coding change: c.1862C>G on transcript NM_021964.3 (MANE Select); coding-DNA position 1862, C replaced by G.
Protein change: p.Ala621Gly; replaces alanine 621 with glycine.
Molecular consequence: missense variant.
Genome position (GRCh38, 1-based): chr3:125,232,864, G>C on the plus strand (C>G on the coding strand, the complement: ZNF148 is on the minus strand). VCF-style: chr3-125232864-G-C. GRCh37 (hg19) VCF-style: chr3-124951708-G-C.
Other names: c.1862C>G, p.Ala621Gly (NM_001348424.1, NM_001348425.2, NM_001348426.2 and 7 more transcripts); c.1736C>G, p.Ala579Gly (NM_001348434.2); short protein forms A579G, A621G.
Identifiers: ClinVar variation 3375992 (VCV003375992.1).

ClinVar aggregate classification (germline): Uncertain significance (1 of 4 stars; one submission).

Submission:

GeneDx
Classification: Uncertain significance. Last evaluated: 2024-05-02. Review status: criteria provided, single submitter. Criteria: GeneDx Variant Classification Process June 2021. Collection method: clinical testing. Allele origin: germline. Affected: yes.
Comment: Not observed at significant frequency in large population cohorts (gnomAD); In silico analysis indicates that this missense variant does not alter protein structure/function; Has not been previously published as pathogenic or benign to our knowledge